The following is an entry in ClinVar:

ClinVar aggregate classification (germline): Uncertain significance (1 of 4 stars; one submission).

Conditions:
TBC1D8B-related disorder. Also called: TBC1D8B-related condition.

Submission:

PreventionGenetics, part of Exact Sciences
Classification: Uncertain significance for TBC1D8B-related condition. Last evaluated: 2023-08-01. Review status: criteria provided, single submitter. Criteria: ACMG Guidelines, 2015. Collection method: clinical testing. Allele origin: germline.
Comment: The TBC1D8B c.1246G>A variant is predicted to result in the amino acid substitution p.Glu416Lys. To our knowledge, this variant has not been reported in the literature or in a large population database, indicating this variant is rare. At this time, the clinical significance of this variant is uncertain due to the absence of conclusive functional and genetic evidence.

NM_017752.3(TBC1D8B):c.1246G>A (p.Glu416Lys)

Gene: TBC1D8B (TBC1 domain family member 8B; plus strand). Cytogenetic location: Xq22.3.
Variant type: single nucleotide variant.
Coding change: c.1246G>A on transcript NM_017752.3 (MANE Select); coding-DNA position 1246, G replaced by A.
Protein change: p.Glu416Lys; replaces glutamic acid 416 with lysine.
Molecular consequence: missense variant.
Genome position (GRCh38, 1-based): chrX:106,839,350, G>A. VCF-style: chrX-106839350-G-A. GRCh37 (hg19) VCF-style: chrX-106082580-G-A.
Other names: c.1246G>A, p.Glu416Lys (NM_198881.2); short protein forms E416K.
Identifiers: ClinVar variation 2631566 (VCV002631566.1), dbSNP rs2521623796, ClinGen allele CA413800636.
Genomic context (GRCh38, chrX:106,839,350, plus strand): 5'-ACATTCTTTCTTTTTCAGCTTGCTATTAGTTCTGAGTCTACAGAGCCATCTGATAATTTT[G>A]AGGTGCAATCTTTGACAAGTCAGAGGGAATGCAGTAAAACTGTGAACACTGAAGCCTTAA-3'
Protein context (NP_060222.2, residues 406-426): SESTEPSDNF[Glu416Lys]VQSLTSQREC